The following is an entry in ClinVar:

ClinVar aggregate classification (germline): Uncertain significance (1 of 4 stars; one submission).

Submission:

Labcorp Genetics (formerly Invitae), Labcorp
Classification: Uncertain significance. Last evaluated: 2022-01-16. Review status: criteria provided, single submitter. Criteria: Invitae Variant Classification Sherloc (09022015). Collection method: clinical testing. Allele origin: germline.
Comment: This sequence change replaces leucine, which is neutral and non-polar, with serine, which is neutral and polar, at codon 991 of the ERBIN protein (p.Leu991Ser). This variant is not present in population databases (gnomAD no frequency). This variant has not been reported in the literature in individuals affected with ERBIN-related conditions. Algorithms developed to predict the effect of missense changes on protein structure and function are either unavailable or do not agree on the potential impact of this missense change (SIFT: "Deleterious"; PolyPhen-2: "Possibly Damaging"; Align-GVGD: "Class C0"). In summary, the available evidence is currently insufficient to determine the role of this variant in disease. Therefore, it has been classified as a Variant of Uncertain Significance.

NM_001253697.2(ERBIN):c.2972T>C (p.Leu991Ser)

Gene: ERBIN (erbb2 interacting protein; plus strand). Cytogenetic location: 5q12.3.
Variant type: single nucleotide variant.
Coding change: c.2972T>C on transcript NM_001253697.2 (MANE Select); coding-DNA position 2972, T replaced by C.
Protein change: p.Leu991Ser; replaces leucine 991 with serine.
Molecular consequence: missense variant.
Genome position (GRCh38, 1-based): chr5:66,054,290, T>C. VCF-style: chr5-66054290-T-C. GRCh37 (hg19) VCF-style: chr5-65350118-T-C.
Other names: c.2972T>C, p.Leu991Ser (NM_001006600.3, NM_001253698.2, NM_001253699.2 and 1 more transcripts); c.2960T>C, p.Leu987Ser (NM_001253701.2); short protein forms L987S, L991S.
Identifiers: ClinVar variation 2086523 (VCV002086523.4), dbSNP rs2546814036, ClinGen allele CA359868337.